The following is an entry in ClinVar:

ClinVar aggregate classification (germline): Uncertain significance (1 of 4 stars; one submission).

gnomAD v4.1: 15 of 700,294 alleles (0.0021%); highest among the groups gnomAD compares: South Asian, 0.0044%; no homozygotes.

Submission:

Labcorp Genetics (formerly Invitae), Labcorp
Classification: Uncertain significance. Last evaluated: 2022-08-10. Review status: criteria provided, single submitter. Criteria: Invitae Variant Classification Sherloc (09022015). Collection method: clinical testing. Allele origin: germline.
Comment: This variant occurs in the RNU4ATAC gene, which encodes an RNA molecule that does not result in a protein product. This variant is present in population databases (no rsID available, gnomAD 0.004%). This variant has not been reported in the literature in individuals affected with RNU4ATAC-related conditions. Experimental studies and prediction algorithms are not available or were not evaluated, and the functional significance of this variant is currently unknown. In summary, the available evidence is currently insufficient to determine the role of this variant in disease. Therefore, it has been classified as a Variant of Uncertain Significance.

NC_000002.12:g.121530966C>G

Genes: CLASP1 (cytoplasmic linker associated protein 1; minus strand), CLASP1-AS1 (CLASP1 antisense RNA 1; plus strand), RNU4ATAC (RNA, U4atac small nuclear; plus strand). Cytogenetic location: 2q14.2.
Variant type: single nucleotide variant.
Molecular consequence: intron variant (on NM_001395891.1).
Genome position: GRCh38 VCF-style: chr2-121530966-C-G. GRCh37 (hg19) VCF-style: chr2-122288542-C-G.
Other names: c.196-641G>C (NM_001142274.2, NM_015282.3, NM_001378003.1 and 5 more transcripts).
Identifiers: ClinVar variation 1971292 (VCV001971292.2), dbSNP rs186447983, ClinGen allele CA428888098.